The following is an entry in ClinVar:

NM_001042432.2(CLN3):c.771G>A (p.Glu257=)

Gene: CLN3 (CLN3 lysosomal/endosomal transmembrane protein, battenin; minus strand). Cytogenetic location: 16p12.1.
Variant type: single nucleotide variant.
Coding change: c.771G>A on transcript NM_001042432.2 (MANE Select); coding-DNA position 771, G replaced by A.
Protein change: p.Glu257=; no amino-acid change (glutamic acid 257 retained).
Molecular consequence: synonymous variant.
Genome position (GRCh38, 1-based): chr16:28,484,025, C>T on the plus strand (G>A on the coding strand, the complement: CLN3 is on the minus strand). VCF-style: chr16-28484025-C-T. GRCh37 (hg19) VCF-style: chr16-28495346-C-T.
Other names: p.E257E:GAG>GAA; c.771G>A, p.Glu257= (NM_000086.2); c.699G>A, p.Glu233= (NM_001286104.2); c.471G>A, p.Glu157= (NM_001286105.2); c.537G>A, p.Glu179= (NM_001286109.2); c.609G>A, p.Glu203= (NM_001286110.2).
Identifiers: ClinVar variation 136790 (VCV000136790.42), dbSNP rs73533466, ClinGen allele CA290131.
Genomic context (GRCh38, chr16:28,484,025, plus strand): 5'-AGAGAAAGAAAGTGACCTCTCTGAGGGTCTGTGTCTCCTACCTGGCTTCGACTCCGGGGC[C>T]TCGGTTCTTATGAGGGGCTGCCGGGCTGCGCTCTCTGCTTCTTCTTCCCCTCCAGGGTCC-3'
Protein context (NP_001035897.1, residues 247-267): SAARQPLIRT[Glu257=]APESKPGSSS

ClinVar aggregate classification (germline): Benign/Likely benign. Review status: criteria provided, multiple submitters, no conflicts (2 of 4 stars). 9 submissions from 9 submitters: Benign (5); Likely benign (1). 3 of the submissions do not count toward it. Last evaluated 2026-01-28.

Conditions:
Inborn genetic diseases. Identifiers: MedGen C0950123, MeSH D030342.
Neuronal ceroid lipofuscinosis. Also called: Neuronal Ceroid Lipofuscinoses. Identifiers: Orphanet 216, Orphanet 79263, MedGen C0027877, MONDO:0016295. Disease mechanism: loss of function.

Allele frequency attached by ClinVar (database versions not stated): gnomAD exomes 0.00036 and 0.00098; ExAC 0.00178; 1000 Genomes Project 0.00319; 1000 Genomes Project 30x 0.00359; ESP Exome Variant Server 0.00362; TOPMed 0.00365; gnomAD 0.00372 and 0.00402.
gnomAD v4.1: 1,117 of 1,610,562 alleles (0.069%); highest among the groups gnomAD compares: African/African-American, 1.3%; 6 homozygotes.

Submissions (9):

Labcorp Genetics (formerly Invitae), Labcorp
Classification: Benign for Neuronal ceroid lipofuscinosis. Last evaluated: 2026-01-28. Review status: criteria provided, single submitter. Criteria: Invitae Variant Classification Sherloc (09022015). Collection method: clinical testing. Allele origin: germline.

Blueprint Genetics
Classification: Likely benign. Last evaluated: 2024-11-13. Review status: criteria provided, single submitter. Criteria: ACMG Guidelines, 2015. Collection method: clinical testing. Allele origin: germline.

CeGaT Center for Human Genetics Tuebingen
Classification: Benign. Last evaluated: 2024-02-01. Review status: criteria provided, single submitter. Criteria: CeGaT Center For Human Genetics Tuebingen Variant Classification Criteria Version 2. Collection method: clinical testing. Allele origin: germline. Affected: yes. Observed: 1 variant allele.
Comment: CLN3: BP4, BP7, BS1, BS2

Ambry Genetics
Classification: Benign for Inborn genetic diseases. Last evaluated: 2017-03-07. Review status: criteria provided, single submitter. Criteria: Ambry Variant Classification Scheme 2023. Collection method: clinical testing. Allele origin: germline.

GeneDx
Classification: Benign. Last evaluated: 2013-01-31. Review status: criteria provided, single submitter. Criteria: GeneDx Variant Classification (06012015). Collection method: clinical testing. Allele origin: germline. Affected: yes.
Comment: This variant is considered likely benign or benign based on one or more of the following criteria: it is a conservative change, it occurs at a poorly conserved position in the protein, it is predicted to be benign by multiple in silico algorithms, and/or has population frequency not consistent with disease.

Breakthrough Genomics
Classification: Benign. Review status: criteria provided, single submitter. Criteria: ACMG Guidelines, 2015. Collection method: not provided. Allele origin: germline. Inheritance: Autosomal recessive inheritance. Affected: yes.

Clinical Genetics DNA and cytogenetics Diagnostics Lab, Erasmus MC, Erasmus Medical Center
Classification: Likely benign. Review status: no assertion criteria provided. Collection method: clinical testing. Allele origin: germline. Affected: yes. Study: VKGL Data-share Consensus. Not counted in ClinVar's aggregate classification.

Clinical Genetics, Academic Medical Center
Classification: Benign. Review status: no assertion criteria provided. Collection method: clinical testing. Allele origin: germline. Affected: yes. Study: VKGL Data-share Consensus. Not counted in ClinVar's aggregate classification.

Genome Diagnostics Laboratory, Amsterdam University Medical Center
Classification: Likely benign. Review status: no assertion criteria provided. Collection method: clinical testing. Allele origin: germline. Affected: yes. Study: VKGL Data-share Consensus. Not counted in ClinVar's aggregate classification.